The following is an entry in ClinVar:

ClinVar aggregate classification (germline): Uncertain significance (1 of 4 stars; one submission).

Submission:

Labcorp Genetics (formerly Invitae), Labcorp
Classification: Uncertain significance. Last evaluated: 2025-11-10. Review status: criteria provided, single submitter. Criteria: Invitae Variant Classification Sherloc (09022015). Collection method: clinical testing. Allele origin: germline.
Comment: This sequence change replaces glutamine, which is neutral and polar, with arginine, which is basic and polar, at codon 306 of the NFIA protein (p.Gln306Arg). This variant is not present in population databases (gnomAD no frequency). This variant has not been reported in the literature in individuals affected with NFIA-related conditions. ClinVar contains an entry for this variant (Variation ID: 3687555). An algorithm developed to predict the effect of missense changes on protein structure and function (PolyPhen-2) suggests that this variant is likely to be disruptive. In summary, the available evidence is currently insufficient to determine the role of this variant in disease. Therefore, it has been classified as a Variant of Uncertain Significance.

NM_001134673.4(NFIA):c.917A>G (p.Gln306Arg)

Gene: NFIA (nuclear factor I A; plus strand). Cytogenetic location: 1p31.3.
Variant type: single nucleotide variant.
Coding change: c.917A>G on transcript NM_001134673.4 (MANE Select); coding-DNA position 917, A replaced by G.
Protein change: p.Gln306Arg; replaces glutamine 306 with arginine.
Molecular consequence: missense variant.
Genome position (GRCh38, 1-based): chr1:61,359,245, A>G. VCF-style: chr1-61359245-A-G. GRCh37 (hg19) VCF-style: chr1-61824917-A-G.
Other names: c.893A>G, p.Gln298Arg (NM_001145511.2); c.1052A>G, p.Gln351Arg (NM_001145512.2); c.917A>G, p.Gln306Arg (NM_005595.5); short protein forms Q298R, Q351R, Q306R.
Identifiers: ClinVar variation 3687555 (VCV003687555.2).
Genomic context (GRCh38, chr1:61,359,245, plus strand): 5'-ACAGTCCTGGTGAGGAGCCATTTTATACAGGCCAAGGGCGCTCCCCAGGAAGTGGCAGTC[A>G]GTCAAGTGGATGGCATGAAGTGGAGCCAGGTAAGCAGAGTGGCGGCACGGGCATGTGGCT-3'
Protein context (NP_001128145.1, residues 296-316): GQGRSPGSGS[Gln306Arg]SSGWHEVEPG